The following is an entry in ClinVar:

ClinVar aggregate classification (germline): Uncertain significance (1 of 4 stars; one submission).

gnomAD v4.1: 3 of 1,548,770 alleles (0.00019%); highest among the groups gnomAD compares: East Asian, 0.0049%; no homozygotes.

Submission:

Labcorp Genetics (formerly Invitae), Labcorp
Classification: Uncertain significance. Last evaluated: 2024-12-30. Review status: criteria provided, single submitter. Criteria: Invitae Variant Classification Sherloc (09022015). Collection method: clinical testing. Allele origin: germline.
Comment: This sequence change replaces tyrosine, which is neutral and polar, with cysteine, which is neutral and slightly polar, at codon 173 of the DGKZ protein (p.Tyr173Cys). This variant is not present in population databases (gnomAD no frequency). This variant has not been reported in the literature in individuals affected with DGKZ-related conditions. An algorithm developed to predict the effect of missense changes on protein structure and function outputs the following: PolyPhen-2: "Benign". The cysteine amino acid residue is found in multiple mammalian species, which suggests that this missense change does not adversely affect protein function. In summary, the available evidence is currently insufficient to determine the role of this variant in disease. Therefore, it has been classified as a Variant of Uncertain Significance.

NM_001199267.2(DGKZ):c.162-517A>G

Gene: DGKZ (diacylglycerol kinase zeta; plus strand). Cytogenetic location: 11p11.2.
Variant type: single nucleotide variant.
Coding change: c.162-517A>G on transcript NM_001199267.2 (MANE Select); 517 bases into the intron before coding-DNA position 162, A replaced by G.
Molecular consequence: intron variant. On other transcripts: missense variant (1).
Genome position (GRCh38, 1-based): chr11:46,366,774, A>G. VCF-style: chr11-46366774-A-G. GRCh37 (hg19) VCF-style: chr11-46388324-A-G.
Other names: c.162-517A>G (NM_001199268.2, NM_001199266.2, NM_003646.4); c.518A>G, p.Tyr173Cys (NM_001105540.2); c.213-517A>G (NM_201532.3); c.177-517A>G (NM_201533.3); short protein forms Y173C.
Identifiers: ClinVar variation 3610970 (VCV003610970.2).